The following is an entry in ClinVar:

ClinVar aggregate classification (germline): Uncertain significance (1 of 4 stars; one submission).

Conditions:
Cone-rod dystrophy 6 (CORD6). Also called: RETINAL CONE DYSTROPHY 2; Cone dystrophy progressive. Identifiers: Orphanet 1872, MedGen C1866293, MONDO:0011143, OMIM 601777.
Leber congenital amaurosis 1 (LCA1). Also called: RETINAL BLINDNESS, CONGENITAL; Congenital absence of the rods and cones; Leber's congenital tapetoretinal degeneration; Leber's congenital tapetoretinal dysplasia; AMAUROSIS CONGENITA OF LEBER I. Identifiers: Orphanet 65, MedGen C2931258, MONDO:0008764, OMIM 204000.

Submission:

Labcorp Genetics (formerly Invitae), Labcorp
Classification: Uncertain significance for Leber congenital amaurosis 1; Cone-rod dystrophy 6. Last evaluated: 2022-07-14. Review status: criteria provided, single submitter. Criteria: Invitae Variant Classification Sherloc (09022015). Collection method: clinical testing. Allele origin: germline.
Comment: In summary, the available evidence is currently insufficient to determine the role of this variant in disease. Therefore, it has been classified as a Variant of Uncertain Significance. This variant has not been reported in the literature in individuals affected with GUCY2D-related conditions. A copy number gain of the genomic region encompassing the full coding sequence of the GUCY2D gene has been identified. The boundaries of this event are unknown as they extend beyond the assayed region for this gene and therefore may encompass additional genes. As the precise location of this event is unknown, it may be in tandem or it may be located elsewhere in the genome.

NC_000017.10:g.(?_7906366)_(8027402_?)dup

Genes: ALOX12B (arachidonate 12-lipoxygenase, 12R type; minus strand), TRR-TCT2-1 (tRNA-Arg (anticodon TCT) 2-1; plus strand), HES7 (hes family bHLH transcription factor 7; minus strand), TRQ-CTG1-5 (tRNA-Gln (anticodon CTG) 1-5; plus strand), ALOXE3 (arachidonate epidermal lipoxygenase 3; minus strand) and 4 more. Cytogenetic location: 17p13.1.
Variant type: Duplication.
Identifiers: ClinVar variation 2422546 (VCV002422546.4).